The following is an entry in ClinVar:

ClinVar aggregate classification (germline): Conflicting classifications of pathogenicity. Review status: criteria provided, conflicting classifications (1 of 4 stars). 2 submissions from 2 submitters: Uncertain significance (1); Likely benign (1). Last evaluated 2026-08-21.

Conditions:
SHROOM4-related disorder. Also called: SHROOM4-related condition.

Allele frequency attached by ClinVar (database versions not stated): gnomAD 0.00005; gnomAD exomes 0.00014; TOPMed 0.00014; ExAC 0.00030.
gnomAD v4.1: 65 of 1,209,356 alleles (0.0054%); highest among the groups gnomAD compares: Admixed American, 0.14%; no homozygotes.

Submissions (2):

PreventionGenetics, part of Exact Sciences
Classification: Likely benign for SHROOM4-related condition. Last evaluated: 2026-08-21. Review status: criteria provided, single submitter. Criteria: ACMG Guidelines, 2015. Collection method: clinical testing. Allele origin: germline.
Comment: This variant is classified as likely benign based on ACMG/AMP sequence variant interpretation guidelines (Richards et al. 2015 PMID: 25741868, with internal and published modifications).

Ambry Genetics
Classification: Uncertain significance. Last evaluated: 2022-08-17. Review status: criteria provided, single submitter. Criteria: Ambry Variant Classification Scheme 2023. Collection method: clinical testing. Allele origin: germline.

NM_020717.5(SHROOM4):c.2878A>G (p.Arg960Gly)

Gene: SHROOM4 (shroom family member 4; minus strand). Cytogenetic location: Xp11.22.
Variant type: single nucleotide variant.
Coding change: c.2878A>G on transcript NM_020717.5 (MANE Select); coding-DNA position 2878, A replaced by G.
Protein change: p.Arg960Gly; replaces arginine 960 with glycine.
Molecular consequence: missense variant. On other transcripts: non-coding transcript variant (4).
Genome position (GRCh38, 1-based): chrX:50,633,195, T>C on the plus strand (A>G on the coding strand, the complement: SHROOM4 is on the minus strand). VCF-style: chrX-50633195-T-C. GRCh37 (hg19) VCF-style: chrX-50376195-T-C.
Other names: short protein forms R960G.
Identifiers: ClinVar variation 3162015 (VCV003162015.2), dbSNP rs781905782, ClinGen allele CA10416068.